The following is an entry in ClinVar:

ClinVar aggregate classification (germline): Uncertain significance. Review status: criteria provided, multiple submitters, no conflicts (2 of 4 stars). 2 submissions from 2 submitters: Uncertain significance (2). Last evaluated 2026-02-16.

Conditions:
CPOX-related disorder. Also called: CPOX-related disorders; CPOX-related condition.

Allele frequency attached by ClinVar (database versions not stated): ExAC 0.00002; gnomAD exomes 0.00002; TOPMed 0.00003; gnomAD 0.00004.

Submissions (2):

PreventionGenetics, part of Exact Sciences
Classification: Uncertain significance for CPOX-related condition. Last evaluated: 2026-02-16. Review status: criteria provided, single submitter. Criteria: ACMG Guidelines, 2015. Collection method: clinical testing. Allele origin: germline.
Comment: The CPOX c.392T>C variant is predicted to result in the amino acid substitution p.Met131Thr. To our knowledge, this variant has not been reported in the literature. This variant is reported in 0.0054% of alleles in individuals of European (Non-Finnish) descent in gnomAD. At this time, the clinical significance of this variant is uncertain due to the absence of conclusive functional and genetic evidence.

Labcorp Genetics (formerly Invitae), Labcorp
Classification: Uncertain significance. Last evaluated: 2025-08-02. Review status: criteria provided, single submitter. Criteria: Invitae Variant Classification Sherloc (09022015). Collection method: clinical testing. Allele origin: germline.
Comment: This sequence change replaces methionine, which is neutral and non-polar, with threonine, which is neutral and polar, at codon 131 of the CPOX protein (p.Met131Thr). This variant is present in population databases (rs754571279, gnomAD 0.005%). This variant has not been reported in the literature in individuals affected with CPOX-related conditions. ClinVar contains an entry for this variant (Variation ID: 2064719). Invitae Evidence Modeling of protein sequence and biophysical properties (such as structural, functional, and spatial information, amino acid conservation, physicochemical variation, residue mobility, and thermodynamic stability) indicates that this missense variant is not expected to disrupt CPOX protein function with a negative predictive value of 80%. In summary, the available evidence is currently insufficient to determine the role of this variant in disease. Therefore, it has been classified as a Variant of Uncertain Significance.

NM_000097.7(CPOX):c.392T>C (p.Met131Thr)

Gene: CPOX (coproporphyrinogen oxidase; minus strand). Cytogenetic location: 3q11.2.
Variant type: single nucleotide variant.
Coding change: c.392T>C on transcript NM_000097.7 (MANE Select); coding-DNA position 392, T replaced by C.
Protein change: p.Met131Thr; replaces methionine 131 with threonine.
Molecular consequence: missense variant.
Genome position (GRCh38, 1-based): chr3:98,593,113, A>G on the plus strand (T>C on the coding strand, the complement: CPOX is on the minus strand). VCF-style: chr3-98593113-A-G. GRCh37 (hg19) VCF-style: chr3-98311957-A-G.
Other names: c.392T>C (NM_000097.5); short protein forms M131T.
Identifiers: ClinVar variation 2064719 (VCV002064719.5), dbSNP rs754571279, ClinGen allele CA2511711.